The following is an entry in ClinVar:

ClinVar aggregate classification (germline): Pathogenic (1 of 4 stars; one submission).

Conditions:
Telangiectasia, hereditary hemorrhagic, type 2 (HHT2). Also called: ACVRL1-Related Hereditary Hemorrhagic Telangiectasia; Telangiectasia, hereditary hemorrhagic, type II. Identifiers: Orphanet 774, MedGen C1838163, MONDO:0010880, OMIM 600376. Disease mechanism: loss of function.

Submission:

Labcorp Genetics (formerly Invitae), Labcorp
Classification: Pathogenic for Telangiectasia, hereditary hemorrhagic, type 2. Last evaluated: 2025-06-27. Review status: criteria provided, single submitter. Criteria: Invitae Variant Classification Sherloc (09022015). Collection method: clinical testing. Allele origin: germline.
Comment: This sequence change creates a premature translational stop signal (p.Asn335Metfs*19) in the ACVRL1 gene. It is expected to result in an absent or disrupted protein product. Loss-of-function variants in ACVRL1 are known to be pathogenic (PMID: 15879500). This variant is not present in population databases (gnomAD no frequency). This variant has not been reported in the literature in individuals affected with ACVRL1-related conditions. For these reasons, this variant has been classified as Pathogenic.

Literature cited by the submitters: PubMed 15879500.

NM_000020.3(ACVRL1):c.1004del (p.Asn335fs)

Gene: ACVRL1 (activin A receptor like type 1; plus strand). Cytogenetic location: 12q13.13.
Variant type: Deletion.
Coding change: c.1004del on transcript NM_000020.3 (MANE Select); coding-DNA position 1004, one base deleted (A; older notation c.1004delA).
Protein change: p.Asn335fs; shifts the reading frame from asparagine 335.
Molecular consequence: frameshift variant.
Genome position (GRCh38, 1-based): chr12:51,915,456, A deleted; the last of 2 consecutive A bases (chr12:51,915,455-51,915,456); deleting either gives the same sequence. VCF-style (leftmost placement, unchanged base first): chr12-51915454-CA-C. GRCh37 (hg19) VCF-style: chr12-52309238-CA-C.
Other names: c.1004del, p.Asn335fs (NM_001077401.2, NM_001406487.1, NM_001406488.1 and 1 more transcripts); c.692del, p.Asn231fs (NM_001406490.1, NM_001406491.1, NM_001406492.1 and 2 more transcripts); c.440del, p.Asn147fs (NM_001406495.1); short protein forms N335fs, N147fs, N231fs.
Identifiers: ClinVar variation 4722209 (VCV004722209.1).